The following is an entry in ClinVar:

NM_000297.4(PKD2):c.860_861insG (p.Leu288fs)

Gene: PKD2 (polycystin 2, transient receptor potential cation channel; plus strand). Cytogenetic location: 4q22.1.
Variant type: Insertion.
Coding change: c.860_861insG on transcript NM_000297.4 (MANE Select); coding-DNA positions 860 to 861, G inserted.
Protein change: p.Leu288fs; shifts the reading frame from leucine 288.
Molecular consequence: frameshift variant. On other transcripts: non-coding transcript variant (1).
Genome position: GRCh38 VCF-style: chr4-88038267-T-TG. GRCh37 (hg19) VCF-style: chr4-88959419-T-TG.
Other names: short protein forms L288fs.
Identifiers: ClinVar variation 997382 (VCV000997382.1), dbSNP rs1727413597, ClinGen allele CA1474575791.
Genomic context (GRCh38, chr4:88,038,267, plus strand): 5'-GGCTGAGCTTGGAACTTTTTCAGAGATGTTTCCTTTGCTTTTAGTTCACAGAAGGCTCCT[T>TG]ATTGGATGGGCTGTACTGGAAGATGCAGCCCAGCAACCAGACTGAAGCTGACAACCGAAG-3'

ClinVar aggregate classification (germline): Pathogenic (0 of 4 stars; one submission).

Conditions:
Polycystic kidney disease. Also called: Polycystic kidney dysplasia; Kidney, Polycystic. Identifiers: MedGen C0022680, MeSH D007690, MONDO:0020642, HP:0000113.

Submission:

Department of Pathology and Laboratory Medicine, Sinai Health System
Classification: Pathogenic for Polycystic Kidney disease. Review status: no assertion criteria provided. Collection method: clinical testing. Allele origin: unknown. Affected: yes. Observed: 1 variant allele. Study: The Canadian Open Genetics Repository (COGR).
Comment: The PKD2 p.Leu288IlefsX15 variant was not identified in the literature nor was it identified in the dbSNP, ClinVar, COGR, LOVD 3.0, the ADPKD Mutation Database, or PKD1-LOVD database. The variant was not identified in the following control databases: the 1000 Genomes Project, the NHLBI GO Exome Sequencing Project, the Exome Aggregation Consortium (August 8th 2016), or the Genome Aggregation Database (Feb 27, 2017). The c.860_861insG variant is predicted to cause a frameshift which alters the protein amino acid sequence beginning at codon 288 and leads to a premature stop codon 15 codons downstream. This alteration is then predicted to result in a truncated or absent protein and loss of function. Loss of function variants of the PKD2 gene are an established mechanism of disease in autosomal dominant polycystic kidney disease and is the type of variant expected to cause the disorder. In summary, based on the above information this variant meets our laboratoryâ€šÃ„Ã´s criteria to be classified as pathogenic.